The following is an entry in ClinVar:

NM_002230.4(JUP):c.1054+7A>T

Gene: JUP (junction plakoglobin; minus strand). Cytogenetic location: 17q21.2.
Variant type: single nucleotide variant.
Coding change: c.1054+7A>T on transcript NM_002230.4 (MANE Select); 7 bases into the intron after coding-DNA position 1054, A replaced by T.
Molecular consequence: intron variant.
Genome position (GRCh38, 1-based): chr17:41,764,916, T>A on the plus strand (A>T on the coding strand, the complement: JUP is on the minus strand). VCF-style: chr17-41764916-T-A. GRCh37 (hg19) VCF-style: chr17-39921168-T-A.
Other names: c.1054+7A>T (NM_002230.3, NM_001352774.2, NM_021991.4 and 4 more transcripts).
Identifiers: ClinVar variation 227446 (VCV000227446.35), dbSNP rs371988639, ClinGen allele CA8565309.

ClinVar aggregate classification (germline): Conflicting classifications of pathogenicity. Review status: criteria provided, conflicting classifications (1 of 4 stars). 13 submissions from 12 submitters: Uncertain significance (2); Benign (2); Likely benign (6). 3 of the submissions do not count toward it. Last evaluated 2026-01-31.

Conditions:
JUP-related disorder. Also called: JUP-related condition.
Arrhythmogenic right ventricular dysplasia 12. Also called: ARRHYTHMOGENIC RIGHT VENTRICULAR DYSPLASIA, FAMILIAL, 12. Identifiers: MedGen C1969081, MONDO:0012684, OMIM 611528.
Naxos disease (NXD). Also called: KERATOSIS PALMOPLANTARIS WITH ARRHYTHMOGENIC CARDIOMYOPATHY; MAL DE NAXOS; PALMOPLANTAR KERATODERMA WITH ARRHYTHMOGENIC RIGHT VENTRICULAR CARDIOMYOPATHY AND WOOLLY HAIR; WOOLLY HAIR, PALMOPLANTAR KERATODERMA, AND CARDIAC ABNORMALITIES; CARDIOMYOPATHY, ARRHYTHMOGENIC RIGHT VENTRICULAR, WITH SKIN, HAIR, AND NAIL ABNORMALITIES. Identifiers: Orphanet 34217, MedGen C1832600, MONDO:0011017, OMIM 601214.
Cardiomyopathy (CMYO). Also called: Cardiomyopathies. Identifiers: Orphanet 167848, MedGen C0878544, MONDO:0004994, HP:0001638. Inheritance: Various modes of inheritance.

Allele frequency attached by ClinVar (database versions not stated): ExAC 0.00006; gnomAD exomes 0.00008; gnomAD 0.00045 and 0.00049; ESP Exome Variant Server 0.00046; TOPMed 0.00061.
gnomAD v4.1: 112 of 1,614,016 alleles (0.0069%); highest among the groups gnomAD compares: African/African-American, 0.13%; no homozygotes.

Submissions (13):

Labcorp Genetics (formerly Invitae), Labcorp
Classification: Likely benign for Arrhythmogenic right ventricular dysplasia 12; Naxos disease. Last evaluated: 2026-01-31. Review status: criteria provided, single submitter. Criteria: Invitae Variant Classification Sherloc (09022015). Collection method: clinical testing. Allele origin: germline.

Molecular Diagnostic Laboratory for Inherited Cardiovascular Disease, Montreal Heart Institute
Classification: Benign. Last evaluated: 2025-04-09. Review status: criteria provided, single submitter. Criteria: ACMG Guidelines, 2015. Collection method: clinical testing. Allele origin: germline. Affected: no.

Blueprint Genetics
Classification: Likely benign. Last evaluated: 2024-10-18. Review status: criteria provided, single submitter. Criteria: ACMG Guidelines, 2015. Collection method: clinical testing. Allele origin: germline.

CHEO Genetics Diagnostic Laboratory, Children's Hospital of Eastern Ontario
Classification: Likely benign for Cardiomyopathy. Last evaluated: 2021-08-10. Review status: criteria provided, single submitter. Criteria: ACMG Guidelines, 2015. Collection method: clinical testing. Allele origin: germline.

Women's Health and Genetics/Laboratory Corporation of America, LabCorp
Classification: Benign. Last evaluated: 2021-04-15. Review status: criteria provided, single submitter. Criteria: LabCorp Variant Classification Summary - May 2015. Collection method: clinical testing. Allele origin: germline.
Comment: Variant summary: JUP c.1054+7A>T alters a non-conserved nucleotide located close to a canonical splice site and therefore could affect mRNA splicing, leading to a significantly altered protein sequence. 4/4 computational tools predict no significant impact on normal splicing. However, these predictions have yet to be confirmed by functional studies. The variant allele was found at a frequency of 0.00011 in 282628 control chromosomes, predominantly at a frequency of 0.0011 within the African or African-American subpopulation in the gnomAD database. The observed variant frequency within African or African-American control individuals in the gnomAD database is approximately 44 fold of the estimated maximal expected allele frequency for a pathogenic variant in JUP causing Cardiomyopathy phenotype (2.5e-05), strongly suggesting that the variant is a benign polymorphism found primarily in populations of African or African-American origin. To our knowledge, no occurrence of c.1054+7A>T in individuals affected with Cardiomyopathy and no experimental evidence demonstrating its impact on protein function have been reported. Five ClinVar submitters (evaluation after 2014) cite the variant as uncertain significance (n=1) and likely benign (n=4). Based on the evidence outlined above, the variant was classified as benign.

ARUP Laboratories, Molecular Genetics and Genomics, ARUP Laboratories
Classification: Likely benign. Last evaluated: 2020-01-16. Review status: criteria provided, single submitter. Criteria: ARUP Molecular Germline Variant Investigation Process. Collection method: clinical testing. Allele origin: germline.

GeneDx
Classification: Likely benign. Last evaluated: 2018-01-15. Review status: criteria provided, single submitter. Criteria: GeneDx Variant Classification (06012015). Collection method: clinical testing. Allele origin: germline. Affected: yes.
Comment: This variant is considered likely benign or benign based on one or more of the following criteria: it is a conservative change, it occurs at a poorly conserved position in the protein, it is predicted to be benign by multiple in silico algorithms, and/or has population frequency not consistent with disease.

Illumina Laboratory Services, Illumina
Classification: Uncertain significance for Arrhythmogenic right ventricular dysplasia 12. Last evaluated: 2018-01-13. Review status: criteria provided, single submitter. Criteria: ICSL Variant Classification Criteria 13 December 2019. Collection method: clinical testing. Allele origin: germline.

Illumina Laboratory Services, Illumina
Classification: Uncertain significance for Naxos disease. Last evaluated: 2018-01-13. Review status: criteria provided, single submitter. Criteria: ICSL Variant Classification Criteria 13 December 2019. Collection method: clinical testing. Allele origin: germline.

Laboratory for Molecular Medicine, Mass General Brigham Personalized Medicine
Classification: Likely benign. Last evaluated: 2015-03-11. Review status: criteria provided, single submitter. Criteria: LMM Criteria. Collection method: clinical testing. Allele origin: germline. Observed: 1 variant allele.
Comment: c.1054+7A>T in intron 6 of JUP: This variant is not expected to have clinical si gnificance because it is not located within the splice consensus sequence. It ha s been identified in 5/10400 African chromosomes by the Exome Aggregation Consor tium (ExAC; dbSNP rs371988639).

PreventionGenetics, part of Exact Sciences
Classification: Likely benign for JUP-related condition. Last evaluated: 2021-11-22. Review status: no assertion criteria provided. Collection method: clinical testing. Allele origin: germline. Not counted in ClinVar's aggregate classification.
Comment: This variant is classified as likely benign based on ACMG/AMP sequence variant interpretation guidelines (Richards et al. 2015 PMID: 25741868, with internal and published modifications).

Clinical Genetics DNA and cytogenetics Diagnostics Lab, Erasmus MC, Erasmus Medical Center
Classification: Likely benign. Review status: no assertion criteria provided. Collection method: clinical testing. Allele origin: germline. Affected: yes. Study: VKGL Data-share Consensus. Not counted in ClinVar's aggregate classification.

Clinical Genetics, Academic Medical Center
Classification: Benign. Review status: no assertion criteria provided. Collection method: clinical testing. Allele origin: germline. Affected: yes. Study: VKGL Data-share Consensus. Not counted in ClinVar's aggregate classification.